The following is an entry in ClinVar:

ClinVar aggregate classification (germline): Uncertain significance (1 of 4 stars; one submission).

Submission:

CeGaT Center for Human Genetics Tuebingen
Classification: Uncertain significance. Last evaluated: 2023-10-01. Review status: criteria provided, single submitter. Criteria: CeGaT Center For Human Genetics Tuebingen Variant Classification Criteria Version 2. Collection method: clinical testing. Allele origin: germline. Affected: yes. Observed: 1 variant allele.
Comment: GNB4: PM2, PM5, PS4:Supporting

NM_021629.4(GNB4):c.266A>C (p.Lys89Thr)

Gene: GNB4 (G protein subunit beta 4; minus strand). Cytogenetic location: 3q26.33.
Variant type: single nucleotide variant.
Coding change: c.266A>C on transcript NM_021629.4 (MANE Select); coding-DNA position 266, A replaced by C.
Protein change: p.Lys89Thr; replaces lysine 89 with threonine.
Molecular consequence: missense variant.
Genome position (GRCh38, 1-based): chr3:179,416,494, T>G on the plus strand (A>C on the coding strand, the complement: GNB4 is on the minus strand). VCF-style: chr3-179416494-T-G. GRCh37 (hg19) VCF-style: chr3-179134282-T-G.
Other names: short protein forms K89T.
Identifiers: ClinVar variation 2654289 (VCV002654289.24), dbSNP rs2473908246, ClinGen allele CA355470286.
Genomic context (GRCh38, chr3:179,416,494, plus strand): 5'-AACTGGTGAACAGCCAAACAAATATAAGGTTATTTAAAAGAATTATGAAGAAATTCTACC[T>G]TATTTGTTGTATAGCTATCCCAAATAATTAATTTTCCATCTTGAGAAGCACTGACTAGCA-3'
Protein context (NP_067642.1, residues 79-99): LIIWDSYTTN[Lys89Thr]MHAIPLRSSW